The following is an entry in ClinVar:

ClinVar aggregate classification (germline): Pathogenic (1 of 4 stars; one submission).

Allele frequency attached by ClinVar (database versions not stated): gnomAD exomes below 0.00001.
gnomAD v4.1: 1 of 1,601,672 alleles (0.000062%); highest among the groups gnomAD compares: Non-Finnish European, 0.000085%; no homozygotes.

Submission:

Labcorp Genetics (formerly Invitae), Labcorp
Classification: Pathogenic. Last evaluated: 2022-03-29. Review status: criteria provided, single submitter. Criteria: Invitae Variant Classification Sherloc (09022015). Collection method: clinical testing. Allele origin: germline.
Comment: This sequence change creates a premature translational stop signal (p.Lys1952*) in the MYO7A gene. It is expected to result in an absent or disrupted protein product. Loss-of-function variants in MYO7A are known to be pathogenic (PMID: 8900236, 25404053). This variant is not present in population databases (gnomAD no frequency). This variant has not been reported in the literature in individuals affected with MYO7A-related conditions. For these reasons, this variant has been classified as Pathogenic.

Literature cited by the submitters: PubMed 8900236; PubMed 25404053.

NM_000260.4(MYO7A):c.5854A>T (p.Lys1952Ter)

Gene: MYO7A (myosin VIIA; plus strand). Cytogenetic location: 11q13.5.
Variant type: single nucleotide variant.
Coding change: c.5854A>T on transcript NM_000260.4 (MANE Select); coding-DNA position 5854, A replaced by T.
Protein change: p.Lys1952Ter; replaces lysine 1952 with a stop codon.
Molecular consequence: nonsense.
Genome position (GRCh38, 1-based): chr11:77,207,400, A>T. VCF-style: chr11-77207400-A-T. GRCh37 (hg19) VCF-style: chr11-76918445-A-T.
Other names: c.5740A>T, p.Lys1914Ter (NM_001127180.2); c.5707A>T, p.Lys1903Ter (NM_001369365.1); short protein forms K1903*, K1914*, K1952*.
Identifiers: ClinVar variation 2119210 (VCV002119210.4), dbSNP rs2497737973, ClinGen allele CA381954158.